The following is an entry in ClinVar:

ClinVar aggregate classification (germline): Uncertain significance (1 of 4 stars; one submission).

Conditions:
Arginase deficiency. Also called: ARGININEMIA; ARG1 DEFICIENCY; Arginase 1 Deficiency. Identifiers: Orphanet 90, MedGen C0268548, MONDO:0008814, OMIM 207800.

Allele frequency attached by ClinVar (database versions not stated): gnomAD exomes below 0.00001.
gnomAD v4.1: 1 of 1,614,174 alleles (0.000062%); highest among the groups gnomAD compares: East Asian, 0.0022%; no homozygotes.

Submission:

Labcorp Genetics (formerly Invitae), Labcorp
Classification: Uncertain significance for Arginase deficiency. Last evaluated: 2023-08-10. Review status: criteria provided, single submitter. Criteria: Invitae Variant Classification Sherloc (09022015). Collection method: clinical testing. Allele origin: germline.
Comment: This variant has not been reported in the literature in individuals affected with ARG1-related conditions. This variant is not present in population databases (gnomAD no frequency). This sequence change replaces aspartic acid, which is acidic and polar, with asparagine, which is neutral and polar, at codon 234 of the ARG1 protein (p.Asp234Asn). In summary, the available evidence is currently insufficient to determine the role of this variant in disease. Therefore, it has been classified as a Variant of Uncertain Significance. Algorithms developed to predict the effect of sequence changes on RNA splicing suggest that this variant may create or strengthen a splice site. Advanced modeling of protein sequence and biophysical properties (such as structural, functional, and spatial information, amino acid conservation, physicochemical variation, residue mobility, and thermodynamic stability) performed at Invitae indicates that this missense variant is expected to disrupt ARG1 protein function. ClinVar contains an entry for this variant (Variation ID: 1039476).

NM_000045.4(ARG1):c.700G>A (p.Asp234Asn)

Genes: ARG1 (arginase 1; plus strand), MED23 (mediator complex subunit 23; minus strand). Cytogenetic location: 6q23.2.
Variant type: single nucleotide variant.
Coding change: c.700G>A on transcript NM_000045.4 (MANE Select); coding-DNA position 700, G replaced by A.
Protein change: p.Asp234Asn; replaces aspartic acid 234 with asparagine.
Molecular consequence: missense variant. On other transcripts: non-coding transcript variant (1), intron variant (2).
Genome position (GRCh38, 1-based): chr6:131,583,389, G>A. VCF-style: chr6-131583389-G-A. GRCh37 (hg19) VCF-style: chr6-131904529-G-A.
Other names: c.724G>A, p.Asp242Asn (NM_001244438.2); c.445G>A, p.Asp149Asn (NM_001369020.1); c.4077+4320C>T (NM_001270521.2); c.4095+4320C>T (NM_015979.4); short protein forms D242N, D234N, D149N.
Identifiers: ClinVar variation 1039476 (VCV001039476.9), dbSNP rs1478297270, ClinGen allele CA365652548.